The following is an entry in ClinVar:

NM_001267550.2(TTN):c.72104T>A (p.Phe24035Tyr)

Genes: TTN (titin; minus strand), TTN-AS1 (TTN antisense RNA 1; plus strand). Cytogenetic location: 2q31.2.
Variant type: single nucleotide variant.
Coding change: c.72104T>A on transcript NM_001267550.2 (MANE Select); coding-DNA position 72104, T replaced by A.
Protein change: p.Phe24035Tyr; replaces phenylalanine 24035 with tyrosine.
Molecular consequence: missense variant.
Genome position (GRCh38, 1-based): chr2:178,574,028, A>T on the plus strand (T>A on the coding strand, the complement: TTN is on the minus strand). VCF-style: chr2-178574028-A-T. GRCh37 (hg19) VCF-style: chr2-179438755-A-T.
Other names: c.67181T>A, p.Phe22394Tyr (NM_001256850.1); c.44909T>A, p.Phe14970Tyr (NM_003319.4); c.64400T>A, p.Phe21467Tyr (NM_133378.4); c.45284T>A, p.Phe15095Tyr (NM_133432.3); c.45485T>A, p.Phe15162Tyr (NM_133437.4); short protein forms F24035Y, F21467Y, F14970Y, F15095Y, F15162Y, F22394Y.
Identifiers: ClinVar variation 595830 (VCV000595830.7), dbSNP rs759861907, ClinGen allele CA1990546.

ClinVar aggregate classification (germline): Uncertain significance. Review status: criteria provided, multiple submitters, no conflicts (2 of 4 stars). 2 submissions from 2 submitters: Uncertain significance (2). Last evaluated 2020-01-13.

Allele frequency attached by ClinVar (database versions not stated): ExAC 0.00001; gnomAD 0.00001; gnomAD exomes below 0.00001; TOPMed 0.00001.
gnomAD v4.1: 6 of 1,613,314 alleles (0.00037%); highest among the groups gnomAD compares: Non-Finnish European, 0.00051%; no homozygotes.

Submissions (2):

GeneDx
Classification: Uncertain significance. Last evaluated: 2020-01-13. Review status: criteria provided, single submitter. Criteria: GeneDx Variant Classification Process June 2021. Collection method: clinical testing. Allele origin: germline. Affected: yes.
Comment: Not observed at a significant frequency in large population cohorts (Lek et al., 2016); Missense variant in a gene in which most reported pathogenic variants are truncating/loss-of-function; Has not been previously published as pathogenic or benign to our knowledge

Eurofins Ntd Llc (ga)
Classification: Uncertain significance. Last evaluated: 2018-01-25. Review status: criteria provided, single submitter. Criteria: EGL Classification Definitions 2015. Collection method: clinical testing. Allele origin: germline. Observed: 1 variant allele, 1 heterozygote.